The following is an entry in ClinVar:

ClinVar aggregate classification (germline): Uncertain significance (1 of 4 stars; one submission).

Submission:

GeneDx
Classification: Uncertain significance. Last evaluated: 2022-04-06. Review status: criteria provided, single submitter. Criteria: GeneDx Variant Classification Process June 2021. Collection method: clinical testing. Allele origin: germline. Affected: yes.
Comment: Not observed at significant frequency in large population cohorts (gnomAD); In silico analysis supports that this missense variant has a deleterious effect on protein structure/function; Has not been previously published as pathogenic or benign to our knowledge

NM_000430.4(PAFAH1B1):c.449C>A (p.Thr150Lys)

Gene: PAFAH1B1 (platelet activating factor acetylhydrolase 1b regulatory subunit 1; plus strand). Cytogenetic location: 17p13.3.
Variant type: single nucleotide variant.
Coding change: c.449C>A on transcript NM_000430.4 (MANE Select); coding-DNA position 449, C replaced by A.
Protein change: p.Thr150Lys; replaces threonine 150 with lysine.
Molecular consequence: missense variant.
Genome position (GRCh38, 1-based): chr17:2,670,212, C>A. VCF-style: chr17-2670212-C-A. GRCh37 (hg19) VCF-style: chr17-2573506-C-A.
Other names: short protein forms T150K.
Identifiers: ClinVar variation 1708606 (VCV001708606.2), dbSNP rs1174082142, ClinGen allele CA397639971.